The following is an entry in ClinVar:

NM_005359.6(SMAD4):c.581C>T (p.Thr194Ile)

Gene: SMAD4 (SMAD family member 4; plus strand). Cytogenetic location: 18q21.2.
Variant type: single nucleotide variant.
Coding change: c.581C>T on transcript NM_005359.6 (MANE Select); coding-DNA position 581, C replaced by T.
Protein change: p.Thr194Ile; replaces threonine 194 with isoleucine.
Molecular consequence: missense variant.
Genome position (GRCh38, 1-based): chr18:51,054,907, C>T. VCF-style: chr18-51054907-C-T. GRCh37 (hg19) VCF-style: chr18-48581277-C-T.
Other names: c.581C>T, p.Thr194Ile (NM_001407041.1, NM_001407042.1, NM_001407043.1); short protein forms T194I.
Identifiers: ClinVar variation 1749882 (VCV001749882.2), dbSNP rs2144418994, ClinGen allele CA402461048.

ClinVar aggregate classification (germline): Uncertain significance (1 of 4 stars; one submission).

Conditions:
Familial thoracic aortic aneurysm and aortic dissection (TAAD). Also called: Thoracic aortic aneurysms and dissections. Identifiers: Orphanet 91387, MedGen C4707243, MONDO:0019625.
Hereditary cancer-predisposing syndrome. Also called: Hereditary Cancer Syndrome; Hereditary neoplastic syndrome; Neoplastic Syndromes, Hereditary; Tumor predisposition. Identifiers: Orphanet 140162, MedGen C0027672, MeSH D009386, MONDO:0015356.

Allele frequency attached by ClinVar (database versions not stated): gnomAD exomes below 0.00001.
gnomAD v4.1: 1 of 1,614,082 alleles (0.000062%); highest among the groups gnomAD compares: Non-Finnish European, 0.000085%; no homozygotes.

Submission:

Ambry Genetics
Classification: Uncertain significance for Hereditary cancer-predisposing syndrome; Familial thoracic aortic aneurysm and aortic dissection. Last evaluated: 2022-05-16. Review status: criteria provided, single submitter. Criteria: Ambry Variant Classification Scheme 2023. Collection method: clinical testing. Allele origin: germline.
Comment: The p.T194I variant (also known as c.581C>T), located in coding exon 4 of the SMAD4 gene, results from a C to T substitution at nucleotide position 581. The threonine at codon 194 is replaced by isoleucine, an amino acid with similar properties. This amino acid position is conserved. In addition, the in silico prediction for this alteration is inconclusive. Since supporting evidence is limited at this time, the clinical significance of this alteration remains unclear.